The following is an entry in ClinVar:

ClinVar aggregate classification (germline): Uncertain significance (1 of 4 stars; one submission).

Allele frequency attached by ClinVar (database versions not stated): gnomAD exomes below 0.00001.
gnomAD v4.1: 1 of 1,608,514 alleles (0.000062%); highest among the groups gnomAD compares: Non-Finnish European, 0.000085%; no homozygotes.

Submission:

Labcorp Genetics (formerly Invitae), Labcorp
Classification: Uncertain significance. Last evaluated: 2021-02-02. Review status: criteria provided, single submitter. Criteria: Invitae Variant Classification Sherloc (09022015). Collection method: clinical testing. Allele origin: germline.
Comment: This variant is not present in population databases (ExAC no frequency). In summary, the available evidence is currently insufficient to determine the role of this variant in disease. Therefore, it has been classified as a Variant of Uncertain Significance. Algorithms developed to predict the effect of missense changes on protein structure and function output the following: SIFT: "Deleterious"; PolyPhen-2: "Benign"; Align-GVGD: "Class C0". The proline amino acid residue is found in multiple mammalian species, suggesting that this missense change does not adversely affect protein function. These predictions have not been confirmed by published functional studies and their clinical significance is uncertain. This variant has not been reported in the literature in individuals with MPDZ-related conditions. This sequence change replaces serine with proline at codon 1115 of the MPDZ protein (p.Ser1115Pro). The serine residue is highly conserved and there is a moderate physicochemical difference between serine and proline.

NM_001378778.1(MPDZ):c.3343T>C (p.Ser1115Pro)

Gene: MPDZ (multiple PDZ domain crumbs cell polarity complex component; minus strand). Cytogenetic location: 9p23.
Variant type: single nucleotide variant.
Coding change: c.3343T>C on transcript NM_001378778.1 (MANE Select); coding-DNA position 3343, T replaced by C.
Protein change: p.Ser1115Pro; replaces serine 1115 with proline.
Molecular consequence: missense variant. On other transcripts: intron variant (1).
Genome position (GRCh38, 1-based): chr9:13,162,707, A>G on the plus strand (T>C on the coding strand, the complement: MPDZ is on the minus strand). VCF-style: chr9-13162707-A-G. GRCh37 (hg19) VCF-style: chr9-13162706-A-G.
Other names: c.3343T>C, p.Ser1115Pro (NM_001261406.2, NM_001261407.2, NM_001330637.2 and 13 more transcripts); c.3254+5659T>C (NM_001375427.1); short protein forms S1115P.
Identifiers: ClinVar variation 1477053 (VCV001477053.8), dbSNP rs2133656034, ClinGen allele CA372952083.